The following is an entry in ClinVar:

NM_017777.4(MKS1):c.497G>A (p.Arg166Gln)

Gene: MKS1 (MKS transition zone complex subunit 1; minus strand). Cytogenetic location: 17q22.
Variant type: single nucleotide variant.
Coding change: c.497G>A on transcript NM_017777.4 (MANE Select); coding-DNA position 497, G replaced by A.
Protein change: p.Arg166Gln; replaces arginine 166 with glutamine.
Molecular consequence: missense variant. On other transcripts: intron variant (1).
Genome position (GRCh38, 1-based): chr17:58,214,759, C>T on the plus strand (G>A on the coding strand, the complement: MKS1 is on the minus strand). VCF-style: chr17-58214759-C-T. GRCh37 (hg19) VCF-style: chr17-56292120-C-T.
Other names: c.497G>A, p.Arg166Gln (NM_001321269.2, NM_001330397.2); c.-94-372G>A (NM_001321268.2); short protein forms R166Q.
Identifiers: ClinVar variation 1028054 (VCV001028054.4), dbSNP rs1050543850, ClinGen allele CA292013878.

ClinVar aggregate classification (germline): Uncertain significance. Review status: criteria provided, multiple submitters, no conflicts (2 of 4 stars). 3 submissions from 3 submitters: Uncertain significance (2). 1 of the submissions does not count toward it. Last evaluated 2022-03-04.

Conditions:
MKS1-related disorder. Also called: MKS1-related disorders; MKS1-related condition. Identifiers: MedGen CN239382.
Joubert syndrome. Also called: JOUBERT-BOLTSHAUSER SYNDROME; Familial aplasia of the vermis. Identifiers: Orphanet 475, MedGen C5979921, MONDO:0018772.
Meckel-Gruber syndrome. Also called: DYSENCEPHALIA SPLANCHNOCYSTICA; GRUBER SYNDROME; Dysencephalia splachnocystica. Identifiers: Orphanet 564, MedGen C0265215, MONDO:0018921.
Meckel syndrome, type 1 (MKS1). Also called: MECKEL-GRUBER SYNDROME, TYPE 1. Identifiers: Orphanet 564, MedGen C3714506, MONDO:0009571, OMIM 249000.

Allele frequency attached by ClinVar (database versions not stated): gnomAD exomes below 0.00001 and 0.00002; gnomAD 0.00001; TOPMed 0.00001.
gnomAD v4.1: 26 of 1,606,540 alleles (0.0016%); highest among the groups gnomAD compares: South Asian, 0.0077%; no homozygotes.

Submissions (3):

Labcorp Genetics (formerly Invitae), Labcorp
Classification: Uncertain significance for Joubert syndrome; Meckel-Gruber syndrome. Last evaluated: 2022-03-04. Review status: criteria provided, single submitter. Criteria: Invitae Variant Classification Sherloc (09022015). Collection method: clinical testing. Allele origin: germline.
Comment: This sequence change replaces arginine, which is basic and polar, with glutamine, which is neutral and polar, at codon 166 of the MKS1 protein (p.Arg166Gln). The frequency data for this variant in the population databases is considered unreliable, as metrics indicate poor data quality at this position in the gnomAD database. This variant has not been reported in the literature in individuals affected with MKS1-related conditions. ClinVar contains an entry for this variant (Variation ID: 1028054). Algorithms developed to predict the effect of missense changes on protein structure and function are either unavailable or do not agree on the potential impact of this missense change (SIFT: "Tolerated"; PolyPhen-2: "Probably Damaging"; Align-GVGD: "Class C0"). In summary, the available evidence is currently insufficient to determine the role of this variant in disease. Therefore, it has been classified as a Variant of Uncertain Significance.

Baylor Genetics
Classification: Uncertain significance for Meckel syndrome, type 1. Last evaluated: 2020-04-17. Review status: criteria provided, single submitter. Criteria: ACMG Guidelines, 2015. Collection method: clinical testing. Allele origin: unknown. Affected: yes.
Comment: This variant was determined to be of uncertain significance according to ACMG Guidelines, 2015 [PMID:25741868].

PreventionGenetics, part of Exact Sciences
Classification: Uncertain significance for MKS1-related condition. Last evaluated: 2024-04-05. Review status: no assertion criteria provided. Collection method: clinical testing. Allele origin: germline. Not counted in ClinVar's aggregate classification.
Comment: The MKS1 c.497G>A variant is predicted to result in the amino acid substitution p.Arg166Gln. To our knowledge, this variant has not been reported in the literature. This variant is reported in 0.0033% of alleles in individuals of South Asian descent in gnomAD. An alternate nucleotide change affecting the same amino acid (p.Arg166Trp) has been reported in the compound heterozygous state in an individual with Meckel syndrome (Tallila et al. 2009. PubMed ID: 19466712, Table 1). At this time, the clinical significance of the c.497G>A (p.Arg166Gln) variant is uncertain due to the absence of conclusive functional and genetic evidence.